The following is an entry in ClinVar:

ClinVar aggregate classification (germline): Conflicting classifications of pathogenicity. Review status: criteria provided, conflicting classifications (1 of 4 stars). 3 submissions from 3 submitters: Pathogenic (1); Likely pathogenic (1); Uncertain significance (1). Last evaluated 2025-01-27.

Conditions:
Pituitary adenoma 5, multiple types. Identifiers: MedGen C4539685, MONDO:0054601, OMIM 617540.

Submissions (3):

GeneDx
Classification: Likely pathogenic. Last evaluated: 2025-01-27. Review status: criteria provided, single submitter. Criteria: GeneDx Variant Classification Process June 2021. Collection method: clinical testing. Allele origin: germline. Affected: yes.
Comment: Frameshift variant predicted to result in abnormal protein length as the last 135 amino acids are replaced with 27 different amino acids; Not observed at significant frequency in large population cohorts (gnomAD); Has not been previously published as pathogenic or benign to our knowledge

Baylor Genetics
Classification: Pathogenic for Pituitary adenoma 5, multiple types. Last evaluated: 2022-06-18. Review status: criteria provided, single submitter. Criteria: ACMG Guidelines, 2015. Collection method: clinical testing. Allele origin: unknown.

Labcorp Genetics (formerly Invitae), Labcorp
Classification: Uncertain significance. Last evaluated: 2019-12-28. Review status: criteria provided, single submitter. Criteria: Invitae Variant Classification Sherloc (09022015). Collection method: clinical testing. Allele origin: germline.
Comment: This sequence change results in a premature translational stop signal in the CDH23 gene (p.Glu3220Argfs*28). While this is not anticipated to result in nonsense mediated decay, it is expected to disrupt the last 135 amino acids of the CDH23 protein. This variant is not present in population databases (ExAC no frequency). This variant has not been reported in the literature in individuals with CDH23-related conditions. Experimental studies and prediction algorithms are not available or were not evaluated, and the functional significance of this variant is currently unknown. In summary, the available evidence is currently insufficient to determine the role of this variant in disease. Therefore, it has been classified as a Variant of Uncertain Significance.

NM_022124.6(CDH23):c.9658del (p.Glu3220fs)

Gene: CDH23 (cadherin related 23; plus strand). Cytogenetic location: 10q22.1.
Variant type: Deletion.
Coding change: c.9658del on transcript NM_022124.6 (MANE Select); coding-DNA position 9658, one base deleted (G; older notation c.9658delG).
Protein change: p.Glu3220fs; shifts the reading frame from glutamic acid 3220.
Molecular consequence: frameshift variant. On other transcripts: intron variant (2).
Genome position (GRCh38, 1-based): chr10:71,813,268, G deleted; the last of 2 consecutive G bases (chr10:71,813,267-71,813,268); deleting either gives the same sequence. VCF-style (leftmost placement, unchanged base first): chr10-71813266-TG-T. GRCh37 (hg19) VCF-style: chr10-73573023-TG-T.
Other names: c.2938del, p.Glu980fs (NM_001171933.1); c.349del, p.Glu117fs (NM_001171935.1); c.2913+378del (NM_001171934.1); c.324+378del (NM_001171936.1); short protein forms E3220fs, E980fs, E117fs.
Identifiers: ClinVar variation 845052 (VCV000845052.5), dbSNP rs922700209, ClinGen allele CA209445311.